The following is an entry in ClinVar:

ClinVar aggregate classification (germline): Uncertain significance (1 of 4 stars; one submission).

gnomAD v4.1: 1 of 1,614,100 alleles (0.000062%); highest among the groups gnomAD compares: African/African-American, 0.0013%; no homozygotes.

Submission:

GeneDx
Classification: Uncertain significance. Last evaluated: 2026-02-28. Review status: criteria provided, single submitter. Criteria: GeneDx Variant Classification Process June 2021. Collection method: clinical testing. Allele origin: germline.
Comment: Not observed at significant frequency in large population cohorts (gnomAD); In silico analysis suggests that this missense variant does not alter protein structure/function; Has not been previously published as pathogenic or benign to our knowledge

NM_001378454.1(ALMS1):c.5527A>G (p.Ile1843Val)

Gene: ALMS1 (ALMS1 centrosome and basal body associated protein; plus strand). Cytogenetic location: 2p13.1.
Variant type: single nucleotide variant.
Coding change: c.5527A>G on transcript NM_001378454.1 (MANE Select); coding-DNA position 5527, A replaced by G.
Protein change: p.Ile1843Val; replaces isoleucine 1843 with valine.
Molecular consequence: missense variant.
Genome position (GRCh38, 1-based): chr2:73,452,054, A>G. VCF-style: chr2-73452054-A-G. GRCh37 (hg19) VCF-style: chr2-73679181-A-G.
Other names: c.5530A>G, p.Ile1844Val (NM_015120.4); short protein forms I1843V, I1844V.
Identifiers: ClinVar variation 5009962 (VCV005009962.1).